The following is an entry in ClinVar:

ClinVar aggregate classification (germline): Uncertain significance. Review status: criteria provided, multiple submitters, no conflicts (2 of 4 stars). 2 submissions from 2 submitters: Uncertain significance (2). Last evaluated 2026-02-16.

Conditions:
BCL11B-related disorder. Also called: BCL11B-Related Disorders.

Submissions (2):

PreventionGenetics, part of Exact Sciences
Classification: Uncertain significance for BCL11B-related condition. Last evaluated: 2026-02-16. Review status: criteria provided, single submitter. Criteria: ACMG Guidelines, 2015. Collection method: clinical testing. Allele origin: germline.
Comment: The BCL11B c.1408_1416dup9 variant is predicted to result in an in-frame duplication (p.Glu470_Glu472dup). To our knowledge, this variant has not been reported in the literature or in a large population database (gnomAD), indicating this variant is rare. At this time, the clinical significance of this variant is uncertain due to the absence of conclusive functional and genetic evidence.

Labcorp Genetics (formerly Invitae), Labcorp
Classification: Uncertain significance. Last evaluated: 2025-12-06. Review status: criteria provided, single submitter. Criteria: Invitae Variant Classification Sherloc (09022015). Collection method: clinical testing. Allele origin: germline.
Comment: This variant, c.1621_1629dup, results in the insertion of 3 amino acid(s) of the BCL11B protein (p.Glu541_Glu543dup), but otherwise preserves the integrity of the reading frame. This variant is not present in population databases (gnomAD no frequency). This variant has not been reported in the literature in individuals affected with BCL11B-related conditions. In summary, the available evidence is currently insufficient to determine the role of this variant in disease. Therefore, it has been classified as a Variant of Uncertain Significance.

NM_138576.4(BCL11B):c.1603GAG[12] (p.Glu543_Leu544insGluGluGlu)

Gene: BCL11B (BCL11 transcription factor B; minus strand). Cytogenetic location: 14q32.2.
Variant type: Microsatellite.
Coding change: c.1603GAG[12] on transcript NM_138576.4 (MANE Select); 12 copies in a row of the 3-base unit GAG starting at c.1603; the reference has nine copies in a row; three copies, 9 bases duplicated.
Protein change: p.Glu543_Leu544insGluGluGlu.
Molecular consequence: inframe insertion.
Genome position (GRCh38, 1-based): chr14:99,175,207-99,175,215, CTCCTCCTC duplicated on the plus strand (GAGGAGGAG on the coding strand, the reverse complement: BCL11B is on the minus strand); duplicating any 9 consecutive bases within chr14:99,175,207-99,175,233 gives the same sequence; the position shown is the placement nearest the transcript's 3' end. VCF-style (leftmost placement, unchanged base first): chr14-99175206-G-GCTCCTCCTC. GRCh37 (hg19) VCF-style: chr14-99641543-G-GCTCCTCCTC.
Other names: c.1408_1416dup9 (NM_022898.2); c.1600GAG[12], p.Glu542_Leu543insGluGluGlu (NM_001282237.2); c.1387GAG[12], p.Glu471_Leu472insGluGluGlu (NM_001282238.2); c.1390GAG[12], p.Glu472_Leu473insGluGluGlu (NM_022898.3).
Identifiers: ClinVar variation 1940135 (VCV001940135.6), dbSNP rs761352760, ClinGen allele CA966480308.
Genomic context (GRCh38, chr14:99,175,206, plus strand): 5'-GGCTCAGCTCCGAGTCCATGCTGAAGCTCGACTCGGGCCGGCTCTCGTTCTCCAGTAGCA[G>GCTCCTCCTC]CTCCTCCTCCTCCTCCTCCTCCTCCTCGTCCTCCTCCTCCGGCTCGTGGCCCAGCGACGG-3'